The following is an entry in ClinVar:

NM_001353214.3(DYM):c.1981A>G (p.Ile661Val)

Gene: DYM (dymeclin; minus strand). Cytogenetic location: 18q21.1.
Variant type: single nucleotide variant.
Coding change: c.1981A>G on transcript NM_001353214.3 (MANE Select); coding-DNA position 1981, A replaced by G.
Protein change: p.Ile661Val; replaces isoleucine 661 with valine.
Molecular consequence: missense variant. On other transcripts: intron variant (3).
Genome position (GRCh38, 1-based): chr18:49,097,446, T>C on the plus strand (A>G on the coding strand, the complement: DYM is on the minus strand). VCF-style: chr18-49097446-T-C. GRCh37 (hg19) VCF-style: chr18-46623816-T-C.
Other names: c.1813A>G, p.Ile605Val (NM_001353210.3, NM_001353211.3); c.1978A>G, p.Ile660Val (NM_001353212.3, NM_001353213.3); c.1798A>G, p.Ile600Val (NM_001353215.3); c.1633A>G, p.Ile545Val (NM_001353216.3, NM_001374437.1); c.1981A>G, p.Ile661Val (NM_001374428.1, NM_001374430.1); c.1975A>G, p.Ile659Val (NM_001374429.1); c.1855A>G, p.Ile619Val (NM_001374432.1); c.1816A>G, p.Ile606Val (NM_001374433.1, NM_017653.6); and 12 more; short protein forms I530V, I355V, I543V, I600V, I619V, I659V, I661V, I416V.
Identifiers: ClinVar variation 1365589 (VCV001365589.9), dbSNP rs752865908, ClinGen allele CA8957950.

ClinVar aggregate classification (germline): Uncertain significance. Review status: criteria provided, multiple submitters, no conflicts (2 of 4 stars). 2 submissions from 2 submitters: Uncertain significance (2). Last evaluated 2025-08-31.

Conditions:
Inborn genetic diseases. Identifiers: MedGen C0950123, MeSH D030342.

Allele frequency attached by ClinVar (database versions not stated): gnomAD 0.00001 and 0.00002; TOPMed 0.00002; gnomAD exomes 0.00004; ExAC 0.00005.
gnomAD v4.1: 47 of 1,613,946 alleles (0.0029%); highest among the groups gnomAD compares: Middle Eastern, 0.033%; 1 homozygote.

Submissions (2):

Ambry Genetics
Classification: Uncertain significance for Inborn genetic diseases. Last evaluated: 2025-08-31. Review status: criteria provided, single submitter. Criteria: Ambry Variant Classification Scheme 2023. Collection method: clinical testing. Allele origin: germline.

Labcorp Genetics (formerly Invitae), Labcorp
Classification: Uncertain significance. Last evaluated: 2024-02-24. Review status: criteria provided, single submitter. Criteria: Invitae Variant Classification Sherloc (09022015). Collection method: clinical testing. Allele origin: germline.
Comment: This sequence change replaces isoleucine, which is neutral and non-polar, with valine, which is neutral and non-polar, at codon 606 of the DYM protein (p.Ile606Val). This variant is present in population databases (rs752865908, gnomAD 0.02%). This variant has not been reported in the literature in individuals affected with DYM-related conditions. ClinVar contains an entry for this variant (Variation ID: 1365589). Advanced modeling of protein sequence and biophysical properties (such as structural, functional, and spatial information, amino acid conservation, physicochemical variation, residue mobility, and thermodynamic stability) performed at Invitae indicates that this missense variant is not expected to disrupt DYM protein function with a negative predictive value of 80%. In summary, the available evidence is currently insufficient to determine the role of this variant in disease. Therefore, it has been classified as a Variant of Uncertain Significance.